The following is an entry in ClinVar:

NM_001904.4(CTNNB1):c.1444C>G (p.Gln482Glu)

Genes: CTNNB1 (catenin beta 1; plus strand), LOC126806659 (BRD4-independent group 4 enhancer GRCh37_chr3:41274918-41276117; plus strand). Cytogenetic location: 3p22.1.
Variant type: single nucleotide variant.
Coding change: c.1444C>G on transcript NM_001904.4 (MANE Select); coding-DNA position 1444, C replaced by G.
Protein change: p.Gln482Glu; replaces glutamine 482 with glutamic acid.
Molecular consequence: missense variant.
Genome position (GRCh38, 1-based): chr3:41,233,787, C>G. VCF-style: chr3-41233787-C-G. GRCh37 (hg19) VCF-style: chr3-41275278-C-G.
Other names: c.1444C>G, p.Gln482Glu (NM_001098209.2, NM_001098210.2); c.1423C>G, p.Gln475Glu (NM_001330729.2); short protein forms Q475E, Q482E.
Identifiers: ClinVar variation 1180556 (VCV001180556.2), dbSNP rs1559474557, ClinGen allele CA352233592.

ClinVar aggregate classification (germline): Likely pathogenic (0 of 4 stars; one submission).

Conditions:
Colorectal cancer. Also called: Colorectal cancer, somatic; Malignant Colorectal Neoplasm. Identifiers: MedGen C0346629, MONDO:0005575, OMIM 114500.

Submission:

Division of Gastroenterology and Hepatology, Shanghai Institute of Digestive Disease, Shanghai Jiao Tong University School of Medicine.
Classification: Likely pathogenic for Colorectal cancer. Last evaluated: 2021-07-19. Review status: no assertion criteria provided. Collection method: research. Allele origin: germline. Inheritance: Autosomal dominant inheritance. Affected: yes. Observed: 1 variant allele, 1 heterozygote.
Comment: The Gln482Glu variant in CTNNB1 has been reported in 1 Chinese family with autosomal dominant predisposition in familial colorectal cancer (CRC).